The following is an entry in ClinVar:

ClinVar aggregate classification (germline): Uncertain significance (1 of 4 stars; one submission).

Conditions:
Primary ciliary dyskinesia. Also called: Ciliary dyskinesia. Identifiers: Orphanet 244, MedGen C0008780, MONDO:0016575, HP:0012265.

Allele frequency attached by ClinVar (database versions not stated): TOPMed below 0.00001; gnomAD 0.00001; gnomAD exomes 0.00001.

Submission:

Labcorp Genetics (formerly Invitae), Labcorp
Classification: Uncertain significance for Primary ciliary dyskinesia. Last evaluated: 2022-03-19. Review status: criteria provided, single submitter. Criteria: Invitae Variant Classification Sherloc (09022015). Collection method: clinical testing. Allele origin: germline.
Comment: In summary, the available evidence is currently insufficient to determine the role of this variant in disease. Therefore, it has been classified as a Variant of Uncertain Significance. Algorithms developed to predict the effect of missense changes on protein structure and function are either unavailable or do not agree on the potential impact of this missense change (SIFT: "Deleterious"; PolyPhen-2: "Benign"; Align-GVGD: "Class C65"). This variant has not been reported in the literature in individuals affected with ZMYND10-related conditions. This variant is present in population databases (rs753152960, gnomAD 0.0009%). This sequence change replaces histidine, which is basic and polar, with tyrosine, which is neutral and polar, at codon 123 of the ZMYND10 protein (p.His123Tyr).

NM_015896.4(ZMYND10):c.367C>T (p.His123Tyr)

Gene: ZMYND10 (zinc finger MYND-type containing 10; minus strand). Cytogenetic location: 3p21.31.
Variant type: single nucleotide variant.
Coding change: c.367C>T on transcript NM_015896.4 (MANE Select); coding-DNA position 367, C replaced by T.
Protein change: p.His123Tyr; replaces histidine 123 with tyrosine.
Molecular consequence: missense variant.
Genome position (GRCh38, 1-based): chr3:50,343,568, G>A on the plus strand (C>T on the coding strand, the complement: ZMYND10 is on the minus strand). VCF-style: chr3-50343568-G-A. GRCh37 (hg19) VCF-style: chr3-50380999-G-A.
Other names: c.367C>T, p.His123Tyr (NM_001308379.2); short protein forms H123Y.
Identifiers: ClinVar variation 2100629 (VCV002100629.4), dbSNP rs753152960, ClinGen allele CA74632774.